The following is an entry in ClinVar:

ClinVar aggregate classification (germline): Uncertain significance (1 of 4 stars; one submission).

Conditions:
Hereditary breast ovarian cancer syndrome. Also called: Hereditary breast and ovarian cancer syndrome (HBOC); Breast and ovarian cancer; Hereditary breast and ovarian cancer; Hereditary breast and ovarian cancer syndrome; BRCA1- and BRCA2-Associated Hereditary Breast and Ovarian Cancer; Hereditary breast and/or ovarian cancer syndrome. Identifiers: Orphanet 145, MedGen C0677776, MeSH D061325, MONDO:0003582. Disease mechanism: loss of function.

Submission:

Labcorp Genetics (formerly Invitae), Labcorp
Classification: Uncertain significance for Hereditary breast ovarian cancer syndrome. Last evaluated: 2023-06-06. Review status: criteria provided, single submitter. Criteria: Invitae Variant Classification Sherloc (09022015). Collection method: clinical testing. Allele origin: germline.
Comment: In summary, the available evidence is currently insufficient to determine the role of this variant in disease. Therefore, it has been classified as a Variant of Uncertain Significance. Advanced modeling of protein sequence and biophysical properties (such as structural, functional, and spatial information, amino acid conservation, physicochemical variation, residue mobility, and thermodynamic stability) performed at Invitae indicates that this missense variant is not expected to disrupt BRCA2 protein function. This variant has not been reported in the literature in individuals affected with BRCA2-related conditions. This variant is not present in population databases (gnomAD no frequency). This sequence change replaces cysteine, which is neutral and slightly polar, with tyrosine, which is neutral and polar, at codon 670 of the BRCA2 protein (p.Cys670Tyr).

NM_000059.4(BRCA2):c.2009G>A (p.Cys670Tyr)

Gene: BRCA2 (BRCA2 DNA repair associated; plus strand). Cytogenetic location: 13q13.1.
Variant type: single nucleotide variant.
Coding change: c.2009G>A on transcript NM_000059.4 (MANE Select); coding-DNA position 2009, G replaced by A.
Protein change: p.Cys670Tyr; replaces cysteine 670 with tyrosine.
Molecular consequence: missense variant. On other transcripts: non-coding transcript variant (1), intron variant (2).
Genome position (GRCh38, 1-based): chr13:32,336,364, G>A. VCF-style: chr13-32336364-G-A. GRCh37 (hg19) VCF-style: chr13-32910501-G-A.
Other names: c.2009G>A, p.Cys670Tyr (NM_001406719.1, NM_001406720.1); c.1909+2977G>A (NM_001406721.1); c.424+5334G>A (NM_001406722.1); short protein forms C670Y.
Identifiers: ClinVar variation 2694083 (VCV002694083.3), dbSNP rs2137482524, ClinGen allele CA387768746.